The following is an entry in ClinVar:

ClinVar aggregate classification (germline): Uncertain significance (1 of 4 stars; one submission).

Allele frequency attached by ClinVar (database versions not stated): gnomAD exomes below 0.00001.
gnomAD v4.1: 2 of 1,614,050 alleles (0.00012%); highest among the groups gnomAD compares: African/African-American, 0.0013%; no homozygotes.

Submission:

Labcorp Genetics (formerly Invitae), Labcorp
Classification: Uncertain significance. Last evaluated: 2022-03-08. Review status: criteria provided, single submitter. Criteria: Invitae Variant Classification Sherloc (09022015). Collection method: clinical testing. Allele origin: germline.
Comment: This sequence change replaces threonine, which is neutral and polar, with alanine, which is neutral and non-polar, at codon 432 of the GFM1 protein (p.Thr432Ala). This variant is not present in population databases (gnomAD no frequency). This variant has not been reported in the literature in individuals affected with GFM1-related conditions. Advanced modeling of protein sequence and biophysical properties (such as structural, functional, and spatial information, amino acid conservation, physicochemical variation, residue mobility, and thermodynamic stability) performed at Invitae indicates that this missense variant is not expected to disrupt GFM1 protein function. In summary, the available evidence is currently insufficient to determine the role of this variant in disease. Therefore, it has been classified as a Variant of Uncertain Significance.

NM_024996.7(GFM1):c.1294A>G (p.Thr432Ala)

Gene: GFM1 (G elongation factor mitochondrial 1; plus strand). Cytogenetic location: 3q25.32.
Variant type: single nucleotide variant.
Coding change: c.1294A>G on transcript NM_024996.7 (MANE Select); coding-DNA position 1294, A replaced by G.
Protein change: p.Thr432Ala; replaces threonine 432 with alanine.
Molecular consequence: missense variant. On other transcripts: non-coding transcript variant (4).
Genome position (GRCh38, 1-based): chr3:158,660,946, A>G. VCF-style: chr3-158660946-A-G. GRCh37 (hg19) VCF-style: chr3-158378735-A-G.
Other names: c.1351A>G, p.Thr451Ala (NM_001308164.2); c.1294A>G, p.Thr432Ala (NM_001308166.2); c.1213A>G, p.Thr405Ala (NM_001374355.1); c.1177A>G, p.Thr393Ala (NM_001374356.1); c.1069A>G, p.Thr357Ala (NM_001374357.1); c.835A>G, p.Thr279Ala (NM_001374358.1); c.727A>G, p.Thr243Ala (NM_001374359.1, NM_001374360.1); c.610A>G, p.Thr204Ala (NM_001374361.1); short protein forms T279A, T405A, T393A, T243A, T432A, T204A, T357A, T451A.
Identifiers: ClinVar variation 2085801 (VCV002085801.1), dbSNP rs1723155863, ClinGen allele CA355177963.